The following is an entry in ClinVar:

NM_000110.4(DPYD):c.3G>A (p.Met1Ile)

Genes: DPYD (dihydropyrimidine dehydrogenase; minus strand), LOC129930998 (ATAC-STARR-seq lymphoblastoid silent region 1109; plus strand). Cytogenetic location: 1p21.3.
Variant type: single nucleotide variant.
Coding change: c.3G>A on transcript NM_000110.4 (MANE Select); coding-DNA position 3, G replaced by A.
Protein change: p.Met1Ile; changes the start codon (methionine 1).
Molecular consequence: missense variant, initiator codon variant.
Genome position (GRCh38, 1-based): chr1:97,920,920, C>T on the plus strand (G>A on the coding strand, the complement: DPYD is on the minus strand). VCF-style: chr1-97920920-C-T. GRCh37 (hg19) VCF-style: chr1-98386476-C-T.
Other names: c.3G>A, p.Met1Ile (NM_001160301.1); short protein forms M1I.
Identifiers: ClinVar variation 370476 (VCV000370476.7), dbSNP rs768020954, ClinGen allele CA963857.
Genomic context (GRCh38, chr1:97,920,920, plus strand): 5'-GACGAGCCGGCGCGAAGTCCGTACCTCGATGTCCGCCGAGTCCTTACTGAGCACAGGGGC[C>T]ATGGCAGTGCCTACAGTCTCGAGTCTGCCAGTGACAAACCCTCCTTGCGTCCTCAAGCTC-3'
Protein context (NP_000101.2, residues 1-11): [Met1Ile]APVLSKDSAD

ClinVar aggregate classification (germline): Likely pathogenic. Review status: criteria provided, multiple submitters, no conflicts (2 of 4 stars). 3 submissions from 3 submitters: Likely pathogenic (2). 1 of the submissions does not count toward it. Last evaluated 2023-04-11.

Conditions:
Dihydropyrimidine dehydrogenase deficiency (DPYDD). Also called: DPD DEFICIENCY; DPYD DEFICIENCY; Hereditary Thymine-Uraciluria. Identifiers: Orphanet 1675, MedGen C1959620, MONDO:0010130, OMIM 274270.

Allele frequency attached by ClinVar (database versions not stated): gnomAD 0.00001; ExAC 0.00002; gnomAD exomes below 0.00001 and 0.00001; TOPMed 0.00002.

Submissions (3):

Genome-Nilou Lab
Classification: Likely pathogenic for Dihydropyrimidine dehydrogenase deficiency. Last evaluated: 2023-04-11. Review status: criteria provided, single submitter. Criteria: ACMG Guidelines, 2015. Collection method: clinical testing. Allele origin: germline. Affected: no.

Women's Health and Genetics/Laboratory Corporation of America, LabCorp
Classification: Likely pathogenic for Dihydropyrimidine dehydrogenase deficiency. Last evaluated: 2021-06-11. Review status: criteria provided, single submitter. Criteria: LabCorp Variant Classification Summary - May 2015. Collection method: clinical testing. Allele origin: germline.
Comment: Variant summary: DPYD c.3G>A (p.Met1?) alters the initiation codon and is predicted to result either in absence of the protein or truncation of the encoded protein due to translation initiation at a downstream codon. The next downstream putative in-frame start codon (Methionine) is located at p.Met77 in exon 3 of the DPYD gene. The predicted truncated protein loses part of Dihydroprymidine dehydrogenase domain II in N-terminus of the encoded protein. Loss-of-function variants upstream of p.Met77 have been reported to be associated with Dihydropyrimidine Dehydrogenase Deficiency (p.R21X, p.R70X, p.Lys34Argfs*3, HGMD database). Two of four in-silico tools predict a benign effect of the variant on protein function. The variant allele was found at a frequency of 9.7e-06 in 207118 control chromosomes. To our knowledge, no occurrence of c.3G>A in individuals affected with Dihydropyrimidine Dehydrogenase Deficiency and no experimental evidence demonstrating its impact on protein function have been reported. A pharmacogenetically trained ensemble classifier reporting an accuracy of 91.4% has classified this variant as pathogenic (Zhou_2020). One clinical diagnostic laboratory has submitted clinical-significance assessments for this variant to ClinVar after 2014 without evidence for independent evaluation and classified the variant as likely pathogenic. Based on the evidence outlined above, the variant was classified as likely pathogenic.

Counsyl
Classification: Likely pathogenic for Dihydropyrimidine dehydrogenase deficiency. Last evaluated: 2016-02-16. Review status: no assertion criteria provided. Collection method: clinical testing. Allele origin: unknown. Not counted in ClinVar's aggregate classification.

Literature cited by the submitters: PubMed 32973300 (cited by Women's Health and Genetics/Laboratory Corporation of America, LabCorp).